The following is an entry in ClinVar:

ClinVar aggregate classification (germline): Conflicting classifications of pathogenicity. Review status: criteria provided, conflicting classifications (1 of 4 stars). 3 submissions from 3 submitters: Uncertain significance (2); Likely benign (1). Last evaluated 2023-03-15.

Conditions:
Weill-Marchesani syndrome 2, dominant. Also called: FBN1-Related Weill-Marchesani Syndrome; Weill-Marchesani Syndrome, Autosomal Dominant. Identifiers: Orphanet 2084, MedGen C1869115, MONDO:0012013, OMIM 608328.
Ectopia lentis 1, isolated, autosomal dominant (ECTOL1). Identifiers: Orphanet 1885, MedGen C3541518, MONDO:0007514, OMIM 129600.
Marfan syndrome (MFS). Also called: MARFAN SYNDROME, TYPE I; FBN1-Related Marfan Syndrome; Marfan syndrome type 1; Marfan's syndrome; Marfan syndrome, classic. Identifiers: Orphanet 284963, Orphanet 558, MedGen C0024796, MONDO:0007947, OMIM 154700.
Stiff skin syndrome (SSKS). Identifiers: Orphanet 2833, MedGen C1861456, MONDO:0008492, OMIM 184900.
Acromicric dysplasia (ACMICD). Also called: Acromicric skeletal dysplasia. Identifiers: Orphanet 969, MedGen C0265287, MONDO:0007055, OMIM 102370.
Progeroid and marfanoid aspect-lipodystrophy syndrome. Also called: MARFANOID-PROGEROID SYNDROME; MARFAN-PROGEROID-LIPODYSTROPHY SYNDROME; Marfan lipodystrophy syndrome; MARFANOID-PROGEROID-LIPODYSTROPHY SYNDROME. Identifiers: Orphanet 300382, MedGen C4310796, MONDO:0014831, OMIM 616914.
MASS syndrome (OCTD). Also called: MASS PHENOTYPE; OVERLAP CONNECTIVE TISSUE DISEASE. Identifiers: MedGen C1858556, MONDO:0011431, OMIM 604308.
Geleophysic dysplasia 2 (GPHYSD2). Identifiers: Orphanet 2623, MedGen C3280054, MONDO:0013612, OMIM 614185.
Familial thoracic aortic aneurysm and aortic dissection (TAAD). Also called: Thoracic aortic aneurysms and dissections. Identifiers: Orphanet 91387, MedGen C4707243, MONDO:0019625.

Allele frequency attached by ClinVar (database versions not stated): TOPMed 0.00003; gnomAD exomes below 0.00001; gnomAD 0.00002; ExAC 0.00002; ESP Exome Variant Server 0.00008.
gnomAD v4.1: 4 of 1,613,946 alleles (0.00025%); highest among the groups gnomAD compares: African/African-American, 0.0053%; no homozygotes.

Submissions (3):

Labcorp Genetics (formerly Invitae), Labcorp
Classification: Likely benign for Marfan syndrome; Familial thoracic aortic aneurysm and aortic dissection. Last evaluated: 2023-03-15. Review status: criteria provided, single submitter. Criteria: Invitae Variant Classification Sherloc (09022015). Collection method: clinical testing. Allele origin: germline.

Fulgent Genetics
Classification: Uncertain significance for Acromicric dysplasia; Ectopia lentis 1, isolated, autosomal dominant; Marfan syndrome; Stiff skin syndrome; MASS syndrome; Weill-Marchesani syndrome 2, dominant; Geleophysic dysplasia 2; Progeroid and marfanoid aspect-lipodystrophy syndrome. Last evaluated: 2021-08-03. Review status: criteria provided, single submitter. Criteria: ACMG Guidelines, 2015. Collection method: clinical testing. Allele origin: unknown.

Women's Health and Genetics/Laboratory Corporation of America, LabCorp
Classification: Uncertain significance. Last evaluated: 2016-06-17. Review status: criteria provided, single submitter. Criteria: LabCorp Variant Classification Summary - May 2015. Collection method: clinical testing. Allele origin: germline.
Comment: Variant summary: The FBN1 c.7501G>C (p.Val2501Leu) variant involves the alteration of a conserved nucleotide. 2/3 in silico tools predict a benign outcome for this substitution (SNPs&GO not captured due to low reliability index, PolyPhen-2 not functioning at the time of scoring). This variant was found in 2/121202 control chromosomes at a frequency of 0.0000165, which does not exceed the estimated maximal expected allele frequency of a pathogenic FBN1 variant (0.0001125). The variant of interest has not, to our knowledge, been reported in affected individuals via publications and/or reputable databases/clinical diagnostic laboratories; nor evaluated for functional impact by in vivo/vitro studies. Because of the absence of clinical information and the lack of functional studies, the variant was classified as a variant of uncertain significance (VUS) until additional information becomes available.

NM_000138.5(FBN1):c.7501G>C (p.Val2501Leu)

Gene: FBN1 (fibrillin 1; minus strand). Cytogenetic location: 15q21.1.
Variant type: single nucleotide variant.
Coding change: c.7501G>C on transcript NM_000138.5 (MANE Select); coding-DNA position 7501, G replaced by C.
Protein change: p.Val2501Leu; replaces valine 2501 with leucine.
Molecular consequence: missense variant.
Genome position (GRCh38, 1-based): chr15:48,422,021, C>G on the plus strand (G>C on the coding strand, the complement: FBN1 is on the minus strand). VCF-style: chr15-48422021-C-G. GRCh37 (hg19) VCF-style: chr15-48714218-C-G.
Other names: short protein forms V2501L.
Identifiers: ClinVar variation 495646 (VCV000495646.5), dbSNP rs371110611, ClinGen allele CA058702.